The following is an entry in ClinVar:

ClinVar aggregate classification (germline): Benign. Review status: criteria provided, multiple submitters, no conflicts (2 of 4 stars). 8 submissions from 8 submitters: Benign (6). 2 of the submissions do not count toward it. Last evaluated 2026-01-31.

Conditions:
Neuromuscular disease caused by qualitative or quantitative defects of dysferlin. Also called: Qualitative or quantitative defects of dysferlin; Dysferlinopathy. Identifiers: Orphanet 207073, MedGen C2931687, MONDO:0016145.
Autosomal recessive limb-girdle muscular dystrophy type 2B (LGMDR2). Also called: MUSCULAR DYSTROPHY, LIMB-GIRDLE, TYPE 3; MUSCULAR DYSTROPHY, LIMB-GIRDLE, AUTOSOMAL RECESSIVE 2; Limb-girdle muscular dystrophy, type 2B; Limb-Girdle Muscular Dystrophy Type 2B (LGMD2B). Identifiers: Orphanet 268, MedGen C1850889, MONDO:0009676, OMIM 253601.

Allele frequency attached by ClinVar (database versions not stated): gnomAD exomes 0.00071 and 0.00174; ExAC 0.00263; 1000 Genomes Project 0.00719; gnomAD 0.00731 and 0.00775; 1000 Genomes Project 30x 0.00765; TOPMed 0.00811; ESP Exome Variant Server 0.00846.
gnomAD v4.1: 2,198 of 1,613,582 alleles (0.14%); highest among the groups gnomAD compares: African/African-American, 2.6%; 27 homozygotes.

Submissions (8):

Labcorp Genetics (formerly Invitae), Labcorp
Classification: Benign for Neuromuscular disease caused by qualitative or quantitative defects of dysferlin. Last evaluated: 2026-01-31. Review status: criteria provided, single submitter. Criteria: Invitae Variant Classification Sherloc (09022015). Collection method: clinical testing. Allele origin: germline.

Blueprint Genetics
Classification: Benign. Last evaluated: 2024-11-12. Review status: criteria provided, single submitter. Criteria: ACMG Guidelines, 2015. Collection method: clinical testing. Allele origin: germline.

CeGaT Center for Human Genetics Tuebingen
Classification: Benign. Last evaluated: 2024-06-01. Review status: criteria provided, single submitter. Criteria: CeGaT Center For Human Genetics Tuebingen Variant Classification Criteria Version 2. Collection method: clinical testing. Allele origin: germline. Affected: yes. Observed: 1 variant allele.
Comment: DYSF: BS1, BS2

Mayo Clinic Laboratories, Mayo Clinic
Classification: Benign. Last evaluated: 2019-03-07. Review status: criteria provided, single submitter. Criteria: ACMG Guidelines, 2015. Collection method: clinical testing. Allele origin: germline. Observed: 9 variant alleles.

GeneDx
Classification: Benign. Last evaluated: 2016-05-04. Review status: criteria provided, single submitter. Criteria: GeneDx Variant Classification (06012015). Collection method: clinical testing. Allele origin: germline. Affected: yes.
Comment: This variant is considered likely benign or benign based on one or more of the following criteria: it is a conservative change, it occurs at a poorly conserved position in the protein, it is predicted to be benign by multiple in silico algorithms, and/or has population frequency not consistent with disease.

Breakthrough Genomics
Classification: Benign. Review status: criteria provided, single submitter. Criteria: ACMG Guidelines, 2015. Collection method: not provided. Allele origin: germline. Inheritance: Autosomal recessive inheritance. Affected: yes.

Natera, Inc.
Classification: Benign for Limb-girdle muscular dystrophy type 2B. Last evaluated: 2020-09-16. Review status: no assertion criteria provided. Collection method: clinical testing. Allele origin: germline. Not counted in ClinVar's aggregate classification.

Genetic Services Laboratory, University of Chicago
Classification: Likely benign for AllHighlyPenetrant. Review status: no assertion criteria provided. Collection method: clinical testing. Allele origin: germline. Inheritance: Autosomal recessive inheritance. Not counted in ClinVar's aggregate classification.
Comment: Likely benign based on allele frequency in 1000 Genomes Project or ESP global frequency and its presence in a patient with a rare or unrelated disease phenotype. NOT Sanger confirmed.

NM_001130987.2(DYSF):c.4430A>G (p.Asp1477Gly)

Gene: DYSF (dysferlin; plus strand). Cytogenetic location: 2p13.2.
Variant type: single nucleotide variant.
Coding change: c.4430A>G on transcript NM_001130987.2 (MANE Select); coding-DNA position 4430, A replaced by G.
Protein change: p.Asp1477Gly; replaces aspartic acid 1477 with glycine.
Molecular consequence: missense variant.
Genome position (GRCh38, 1-based): chr2:71,613,376, A>G. VCF-style: chr2-71613376-A-G. GRCh37 (hg19) VCF-style: chr2-71840506-A-G.
Other names: p.Asp1459Gly; c.4379A>G, p.Asp1460Gly (NM_001130455.2, NM_001130983.2); c.4334A>G, p.Asp1445Gly (NM_001130976.2, NM_001130977.2); c.4376A>G, p.Asp1459Gly (NM_001130978.2, NM_003494.4); c.4469A>G, p.Asp1490Gly (NM_001130979.2); c.4427A>G, p.Asp1476Gly (NM_001130980.2, NM_001130981.2); c.4472A>G, p.Asp1491Gly (NM_001130982.2); c.4337A>G, p.Asp1446Gly (NM_001130984.2, NM_001130986.2); and 1 more; short protein forms D1459G, D1477G, D1490G, D1446G, D1460G, D1491G, D1445G, D1476G.
Identifiers: ClinVar variation 128949 (VCV000128949.38), dbSNP rs61738567, ClinGen allele CA152669.